The following is an entry in ClinVar:

NM_000465.4(BARD1):c.1440G>T (p.Leu480Phe)

Gene: BARD1 (BRCA1 associated RING domain 1; minus strand). Cytogenetic location: 2q35.
Variant type: single nucleotide variant.
Coding change: c.1440G>T on transcript NM_000465.4 (MANE Select); coding-DNA position 1440, G replaced by T.
Protein change: p.Leu480Phe; replaces leucine 480 with phenylalanine.
Molecular consequence: missense variant. On other transcripts: non-coding transcript variant (3), intron variant (3).
Genome position (GRCh38, 1-based): chr2:214,767,610, C>A on the plus strand (G>T on the coding strand, the complement: BARD1 is on the minus strand). VCF-style: chr2-214767610-C-A. GRCh37 (hg19) VCF-style: chr2-215632334-C-A.
Other names: c.1440G>T (NM_000465.2); c.1383G>T, p.Leu461Phe (NM_001282543.2); c.159-15055G>T (NM_001282548.2); c.216-15055G>T (NM_001282545.2); c.364+24687G>T (NM_001282549.2); short protein forms L461F, L480F.
Identifiers: ClinVar variation 2856514 (VCV002856514.4), dbSNP rs1354724039, ClinGen allele CA350448579.

ClinVar aggregate classification (germline): Uncertain significance. Review status: criteria provided, multiple submitters, no conflicts (2 of 4 stars). 2 submissions from 2 submitters: Uncertain significance (2). Last evaluated 2025-04-04.

Conditions:
Hereditary cancer-predisposing syndrome. Also called: Neoplastic Syndromes, Hereditary; Hereditary neoplastic syndrome; Tumor predisposition; Hereditary Cancer Syndrome. Identifiers: Orphanet 140162, MedGen C0027672, MeSH D009386, MONDO:0015356.
Familial cancer of breast. Also called: Hereditary breast cancer; BREAST CANCER, FAMILIAL; hereditary breast carcinoma. Identifiers: Orphanet 227535, MedGen C0346153, MONDO:0016419, OMIM 114480. Disease mechanism: loss of function.

Allele frequency attached by ClinVar (database versions not stated): gnomAD exomes below 0.00001.
gnomAD v4.1: 1 of 1,614,056 alleles (0.000062%); highest among the groups gnomAD compares: Non-Finnish European, 0.000085%; no homozygotes.

Submissions (2):

Ambry Genetics
Classification: Uncertain significance for Hereditary cancer-predisposing syndrome. Last evaluated: 2025-04-04. Review status: criteria provided, single submitter. Criteria: Ambry Variant Classification Scheme 2023. Collection method: clinical testing. Allele origin: germline.
Comment: The p.L480F variant (also known as c.1440G>T), located in coding exon 6 of the BARD1 gene, results from a G to T substitution at nucleotide position 1440. The leucine at codon 480 is replaced by phenylalanine, an amino acid with highly similar properties. This amino acid position is conserved. In addition, this alteration is predicted to be deleterious by in silico analysis. Based on the available evidence, the clinical significance of this variant remains unclear.

Labcorp Genetics (formerly Invitae), Labcorp
Classification: Uncertain significance for Familial cancer of breast. Last evaluated: 2023-04-15. Review status: criteria provided, single submitter. Criteria: Invitae Variant Classification Sherloc (09022015). Collection method: clinical testing. Allele origin: germline.
Comment: This sequence change replaces leucine, which is neutral and non-polar, with phenylalanine, which is neutral and non-polar, at codon 480 of the BARD1 protein (p.Leu480Phe). This variant is not present in population databases (gnomAD no frequency). This variant has not been reported in the literature in individuals affected with BARD1-related conditions. An algorithm developed to predict the effect of missense changes on protein structure and function (PolyPhen-2) suggests that this variant is likely to be disruptive. Algorithms developed to predict the effect of sequence changes on RNA splicing suggest that this variant may create or strengthen a splice site. In summary, the available evidence is currently insufficient to determine the role of this variant in disease. Therefore, it has been classified as a Variant of Uncertain Significance.